The following is an entry in ClinVar:

NM_031206.7(LAS1L):c.1739A>C (p.Glu580Ala)

Gene: LAS1L (LAS1 like ribosome biogenesis factor; minus strand). Cytogenetic location: Xq12.
Variant type: single nucleotide variant.
Coding change: c.1739A>C on transcript NM_031206.7 (MANE Select); coding-DNA position 1739, A replaced by C.
Protein change: p.Glu580Ala; replaces glutamic acid 580 with alanine.
Molecular consequence: missense variant. On other transcripts: non-coding transcript variant (1).
Genome position (GRCh38, 1-based): chrX:65,518,175, T>G on the plus strand (A>C on the coding strand, the complement: LAS1L is on the minus strand). VCF-style: chrX-65518175-T-G. GRCh37 (hg19) VCF-style: chrX-64738055-T-G.
Other names: c.1688A>C, p.Glu563Ala (NM_001170649.2, NM_001375333.1); c.1562A>C, p.Glu521Ala (NM_001170650.2); c.1739A>C, p.Glu580Ala (NM_001375328.1); c.782A>C, p.Glu261Ala (NM_001375332.1); short protein forms E261A, E521A, E563A, E580A.
Identifiers: ClinVar variation 2507140 (VCV002507140.2), dbSNP rs2522503173, ClinGen allele CA413315138.
Genomic context (GRCh38, chrX:65,518,175, plus strand): 5'-TCATCTTCATCATCTTCATCCTCCTCTTCCTCCTCTTGGTCATCATTTTCTTCCTCCTCC[T>G]CTACCTGGTCTGGCAAGACCTCTTTCTCCTCCTTCTCCTCTTCCTTGACATCATTAACAC-3'
Protein context (NP_112483.1, residues 570-590): EEKEVLPDQV[Glu580Ala]EEEENDDQEE

ClinVar aggregate classification (germline): Uncertain significance (1 of 4 stars; one submission).

Allele frequency attached by ClinVar (database versions not stated): gnomAD exomes 0.00001.
gnomAD v4.1: 6 of 1,202,419 alleles (0.0005%); highest among the groups gnomAD compares: Non-Finnish European, 0.00068%; no homozygotes.

Submission:

GeneDx
Classification: Uncertain significance. Last evaluated: 2025-09-30. Review status: criteria provided, single submitter. Criteria: GeneDx Variant Classification Process June 2021. Collection method: clinical testing. Allele origin: germline. Affected: yes.
Comment: Not observed at significant frequency in large population cohorts (gnomAD); In silico analysis suggests that this missense variant does not alter protein structure/function; Has not been previously published as pathogenic or benign to our knowledge